The following is an entry in ClinVar:

NM_003803.4(MYOM1):c.2026T>C (p.Cys676Arg)

Gene: MYOM1 (myomesin 1; minus strand). Cytogenetic location: 18p11.31.
Variant type: single nucleotide variant.
Coding change: c.2026T>C on transcript NM_003803.4 (MANE Select); coding-DNA position 2026, T replaced by C.
Protein change: p.Cys676Arg; replaces cysteine 676 with arginine.
Molecular consequence: missense variant.
Genome position (GRCh38, 1-based): chr18:3,135,730, A>G on the plus strand (T>C on the coding strand, the complement: MYOM1 is on the minus strand). VCF-style: chr18-3135730-A-G. GRCh37 (hg19) VCF-style: chr18-3135728-A-G.
Other names: c.2026T>C, p.Cys676Arg (NM_019856.2); short protein forms C676R.
Identifiers: ClinVar variation 2069277 (VCV002069277.5), dbSNP rs986206922, ClinGen allele CA295519651.

ClinVar aggregate classification (germline): Uncertain significance. Review status: criteria provided, multiple submitters, no conflicts (2 of 4 stars). 2 submissions from 2 submitters: Uncertain significance (2). Last evaluated 2025-10-09.

Conditions:
Hypertrophic cardiomyopathy. Also called: HYPERTROPHIC MYOCARDIOPATHY. Identifiers: Orphanet 217569, MedGen C0007194, MeSH D002312, MONDO:0005045, HP:0001639.

Allele frequency attached by ClinVar (database versions not stated): TOPMed below 0.00001; gnomAD 0.00001; gnomAD exomes 0.00001.
gnomAD v4.1: 4 of 1,613,604 alleles (0.00025%); highest among the groups gnomAD compares: East Asian, 0.0022%; no homozygotes.

Submissions (2):

Labcorp Genetics (formerly Invitae), Labcorp
Classification: Uncertain significance for Hypertrophic cardiomyopathy. Last evaluated: 2025-10-09. Review status: criteria provided, single submitter. Criteria: Invitae Variant Classification Sherloc (09022015). Collection method: clinical testing. Allele origin: germline.
Comment: This sequence change replaces cysteine, which is neutral and slightly polar, with arginine, which is basic and polar, at codon 676 of the MYOM1 protein (p.Cys676Arg). The frequency data for this variant in the population databases is considered unreliable, as metrics indicate poor data quality at this position in the gnomAD database. This variant has not been reported in the literature in individuals affected with MYOM1-related conditions. ClinVar contains an entry for this variant (Variation ID: 2069277). An algorithm developed to predict the effect of missense changes on protein structure and function (PolyPhen-2) suggests that this variant is likely to be disruptive. In summary, the available evidence is currently insufficient to determine the role of this variant in disease. Therefore, it has been classified as a Variant of Uncertain Significance.

Ambry Genetics
Classification: Uncertain significance. Last evaluated: 2025-06-25. Review status: criteria provided, single submitter. Criteria: Ambry Variant Classification Scheme 2023. Collection method: clinical testing. Allele origin: germline.